The following is an entry in ClinVar:

NM_000532.5(PCCB):c.945C>T (p.Asn315=)

Gene: PCCB (propionyl-CoA carboxylase subunit beta; plus strand). Cytogenetic location: 3q22.3.
Variant type: single nucleotide variant.
Coding change: c.945C>T on transcript NM_000532.5 (MANE Select); coding-DNA position 945, C replaced by T.
Protein change: p.Asn315=; no amino-acid change (asparagine 315 retained).
Molecular consequence: synonymous variant.
Genome position (GRCh38, 1-based): chr3:136,301,090, C>T. VCF-style: chr3-136301090-C-T. GRCh37 (hg19) VCF-style: chr3-136019932-C-T.
Other names: c.1005C>T, p.Asn335= (NM_001178014.2).
Identifiers: ClinVar variation 679048 (VCV000679048.8), dbSNP rs766185451, ClinGen allele CA2631945.

ClinVar aggregate classification (germline): Likely benign. Review status: criteria provided, multiple submitters, no conflicts (2 of 4 stars). 2 submissions from 2 submitters: Likely benign (2). Last evaluated 2024-09-21.

Conditions:
Propionic acidemia (PROP). Also called: GLYCINEMIA, KETOTIC; HYPERGLYCINEMIA WITH KETOACIDOSIS AND LEUKOPENIA; KETOTIC HYPERGLYCINEMIA. Identifiers: Orphanet 35, MedGen C0268579, MONDO:0011628, OMIM 606054, HP:0003571.

Allele frequency attached by ClinVar (database versions not stated): gnomAD exomes below 0.00001 and 0.00002; ExAC 0.00001.
gnomAD v4.1: 6 of 1,613,654 alleles (0.00037%); highest among the groups gnomAD compares: Admixed American, 0.0017%; no homozygotes.

Submissions (2):

Labcorp Genetics (formerly Invitae), Labcorp
Classification: Likely benign for Propionic acidemia. Last evaluated: 2024-09-21. Review status: criteria provided, single submitter. Criteria: Invitae Variant Classification Sherloc (09022015). Collection method: clinical testing. Allele origin: germline.

GeneDx
Classification: Likely benign. Last evaluated: 2018-03-29. Review status: criteria provided, single submitter. Criteria: GeneDx Variant Classification (06012015). Collection method: clinical testing. Allele origin: germline. Affected: yes.
Comment: This variant is considered likely benign or benign based on one or more of the following criteria: it is a conservative change, it occurs at a poorly conserved position in the protein, it is predicted to be benign by multiple in silico algorithms, and/or has population frequency not consistent with disease.